The following is an entry in ClinVar:

NM_001348323.3(TRIP12):c.3240G>C (p.Leu1080=)

Gene: TRIP12 (thyroid hormone receptor interactor 12; minus strand). Cytogenetic location: 2q36.3.
Variant type: single nucleotide variant.
Coding change: c.3240G>C on transcript NM_001348323.3 (MANE Select); coding-DNA position 3240, G replaced by C.
Protein change: p.Leu1080=; no amino-acid change (leucine 1080 retained).
Molecular consequence: synonymous variant.
Genome position (GRCh38, 1-based): chr2:229,799,350, C>G on the plus strand (G>C on the coding strand, the complement: TRIP12 is on the minus strand). VCF-style: chr2-229799350-C-G. GRCh37 (hg19) VCF-style: chr2-230664066-C-G.
Other names: c.3159G>C, p.Leu1053= (NM_001284214.2, NM_001348315.2); c.3114G>C, p.Leu1038= (NM_001284215.2, NM_001348316.2, NM_001348317.1 and 1 more transcripts); c.2205G>C, p.Leu735= (NM_001284216.2); c.3240G>C, p.Leu1080= (NM_001348319.1, NM_001348320.2, NM_001348322.1 and 4 more transcripts); c.3243G>C, p.Leu1081= (NM_001348321.1, NM_001348328.1, NM_001348329.2 and 1 more transcripts); c.3033G>C, p.Leu1011= (NM_001348331.1); c.3153G>C, p.Leu1051= (NM_001348332.1); c.3162G>C, p.Leu1054= (NM_001348333.1); and 1 more.
Identifiers: ClinVar variation 4281061 (VCV004281061.7).

ClinVar aggregate classification (germline): Likely benign (1 of 4 stars; one submission).

gnomAD v4.1: 7 of 1,614,172 alleles (0.00043%); highest among the groups gnomAD compares: African/African-American, 0.008%; no homozygotes.

Submission:

CeGaT Center for Human Genetics Tuebingen
Classification: Likely benign. Last evaluated: 2025-09-01. Review status: criteria provided, single submitter. Criteria: CeGaT Center For Human Genetics Tuebingen Variant Classification Criteria Version 2. Collection method: clinical testing. Allele origin: germline. Affected: yes. Observed: 1 variant allele.
Comment: TRIP12: BP4, BP7